The following is an entry in ClinVar:

ClinVar aggregate classification (germline): Likely pathogenic (1 of 4 stars; one submission).

Conditions:
Deficiency of steroid 11-beta-monooxygenase (CYP11B1). Also called: P450C11B1 DEFICIENCY; STEROID 11-BETA-HYDROXYLASE DEFICIENCY; Congenital adrenal hyperplasia due to 11-beta-hydroxylase deficiency; ADRENAL HYPERPLASIA IV; ADRENAL HYPERPLASIA, CONGENITAL, DUE TO STEROID 11-BETA-HYDROXYLASE DEFICIENCY; 11-BETA-HYDROXYLASE DEFICIENCY. Identifiers: Orphanet 90795, MedGen C0268292, MONDO:0008729, OMIM 202010. Disease mechanism: loss of function.

Submission:

First Genomix Gene Laboratory, Genetic Diagnostics Department
Classification: Likely pathogenic for Deficiency of steroid 11-beta-monooxygenase. Last evaluated: 2025-05-21. Review status: criteria provided, single submitter. Criteria: ACMG Guidelines, 2015. Collection method: clinical testing. Allele origin: germline. Inheritance: Autosomal recessive inheritance. Affected: no. Observed: 1 variant allele.

NM_000497.4(CYP11B1):c.230_231delinsG (p.Pro77fs)

Gene: CYP11B1 (cytochrome P450 family 11 subfamily B member 1; minus strand). Cytogenetic location: 8q24.3.
Variant type: Indel.
Coding change: c.230_231delinsG on transcript NM_000497.4 (MANE Select); coding-DNA positions 230 to 231, CC replaced by G.
Protein change: p.Pro77fs; shifts the reading frame from proline 77.
Molecular consequence: frameshift variant.
Genome position (GRCh38, 1-based): chr8:142,879,583-142,879,584, GG replaced by C on the plus strand (CC replaced by G on the coding strand, the reverse complement: CYP11B1 is on the minus strand). VCF-style: chr8-142879583-GG-C. GRCh37 (hg19) VCF-style: chr8-143960999-GG-C.
Other names: c.230_231delinsG, p.Pro77fs (NM_001026213.1); short protein forms P77fs.
Identifiers: ClinVar variation 4849289 (VCV004849289.1).